The following is an entry in ClinVar:

ClinVar aggregate classification (germline): Benign. Review status: criteria provided, single submitter (1 of 4 stars). 2 submissions from 2 submitters: Benign (1). 1 of the submissions does not count toward it. Last evaluated 2025-01-01.

Conditions:
QRICH2-related disorder. Also called: QRICH2-related condition.

Allele frequency attached by ClinVar (database versions not stated): ESP Exome Variant Server 0.00023; TOPMed 0.00023; gnomAD 0.00085; gnomAD exomes 0.00117; ExAC 0.00265; 1000 Genomes Project 0.00459; 1000 Genomes Project 30x 0.00468.
gnomAD v4.1: 1,857 of 1,613,858 alleles (0.12%); highest among the groups gnomAD compares: South Asian, 1.9%; 40 homozygotes.

Submissions (2):

CeGaT Center for Human Genetics Tuebingen
Classification: Benign. Last evaluated: 2025-01-01. Review status: criteria provided, single submitter. Criteria: CeGaT Center For Human Genetics Tuebingen Variant Classification Criteria Version 2. Collection method: clinical testing. Allele origin: germline. Affected: yes. Observed: 2 variant alleles.
Comment: QRICH2: BP4, BS1, BS2

PreventionGenetics, part of Exact Sciences
Classification: Benign for QRICH2-related condition. Last evaluated: 2019-10-28. Review status: no assertion criteria provided. Collection method: clinical testing. Allele origin: germline. Not counted in ClinVar's aggregate classification.
Comment: This variant is classified as benign based on ACMG/AMP sequence variant interpretation guidelines (Richards et al. 2015 PMID: 25741868, with internal and published modifications).

NM_001388453.1(QRICH2):c.4868G>A (p.Arg1623His)

Gene: QRICH2 (glutamine rich 2; minus strand). Cytogenetic location: 17q25.1.
Variant type: single nucleotide variant.
Coding change: c.4868G>A on transcript NM_001388453.1 (MANE Select); coding-DNA position 4868, G replaced by A.
Protein change: p.Arg1623His; replaces arginine 1623 with histidine.
Molecular consequence: missense variant. On other transcripts: non-coding transcript variant (1).
Genome position (GRCh38, 1-based): chr17:76,279,089, C>T on the plus strand (G>A on the coding strand, the complement: QRICH2 is on the minus strand). VCF-style: chr17-76279089-C-T. GRCh37 (hg19) VCF-style: chr17-74275170-C-T.
Other names: c.4370G>A (NM_032134.2); c.4868G>A, p.Arg1623His (NM_032134.3); short protein forms R1623H.
Identifiers: ClinVar variation 2648303 (VCV002648303.25), dbSNP rs200114137, ClinGen allele CA8783343.